The following is an entry in ClinVar:

NM_000478.6(ALPL):c.794A>T (p.His265Leu)

Gene: ALPL (alkaline phosphatase, biomineralization associated; plus strand). Cytogenetic location: 1p36.12.
Variant type: single nucleotide variant.
Coding change: c.794A>T on transcript NM_000478.6 (MANE Select); coding-DNA position 794, A replaced by T.
Protein change: p.His265Leu; replaces histidine 265 with leucine.
Molecular consequence: missense variant.
Genome position (GRCh38, 1-based): chr1:21,570,306, A>T. VCF-style: chr1-21570306-A-T. GRCh37 (hg19) VCF-style: chr1-21896799-A-T.
Other names: c.629A>T, p.His210Leu (NM_001127501.4); c.563A>T, p.His188Leu (NM_001177520.3); c.794A>T, p.His265Leu (NM_001369803.2, NM_001369804.2, NM_001369805.2); short protein forms H188L, H210L, H265L.
Identifiers: ClinVar variation 4086829 (VCV004086829.1).
Genomic context (GRCh38, chr1:21,570,306, plus strand): 5'-GTCAGTCCTTCCGACTCTCCCTAGCCCCCGGCATGTGCTGACACAGCCCTTCCTCCTAGC[A>T]CTCCCACTTCATCTGGAACCGCACGGAACTCCTGACCCTTGACCCCCACAATGTGGACTA-3'
Protein context (NP_000469.3, residues 255-275): TWKSFKPRYK[His265Leu]SHFIWNRTEL

ClinVar aggregate classification (germline): Uncertain significance (1 of 4 stars; one submission).

Conditions:
Hypophosphatasia. Also called: Phosphoethanol-aminuria. Identifiers: Orphanet 436, MedGen C0020630, MeSH D007014, MONDO:0018570.

Submission:

Genomenon, Inc
Classification: Uncertain significance for Hypophosphatasia. Last evaluated: 2025-08-29. Review status: criteria provided, single submitter. Criteria: Genomenon Sequence Variant Interpretation Standards. Collection method: curation. Allele origin: germline. Affected: no.
Comment: ALPL c.794A>T is a missense variant that changes the amino acid at residue 265 from Histidine to Leucine. This variant has not been reported in patients affected with hypophosphatasia in the published literature. It is absent or not present at a significant frequency in gnomAD. In conclusion, we classify ALPL p.His265Leu (c.794A>T) as a variant of unknown significance.